The following is an entry in ClinVar:

NM_000092.5(COL4A4):c.3733G>A (p.Gly1245Ser)

Gene: COL4A4 (collagen type IV alpha 4 chain; minus strand). Cytogenetic location: 2q36.3.
Variant type: single nucleotide variant.
Coding change: c.3733G>A on transcript NM_000092.5 (MANE Select); coding-DNA position 3733, G replaced by A.
Protein change: p.Gly1245Ser; replaces glycine 1245 with serine.
Molecular consequence: missense variant.
Genome position (GRCh38, 1-based): chr2:227,032,029, C>T on the plus strand (G>A on the coding strand, the complement: COL4A4 is on the minus strand). VCF-style: chr2-227032029-C-T. GRCh37 (hg19) VCF-style: chr2-227896745-C-T.
Other names: short protein forms G1245S.
Identifiers: ClinVar variation 3835273 (VCV003835273.2).
Genomic context (GRCh38, chr2:227,032,029, plus strand): 5'-GTCCCTGATCTCCAGGTGGACCCGGGTCAGGAATGTCCTTAGGAGCTCTTCCTGTGGCAC[C>T]TGCAGGACCAGGTGGTCCTGAACTCCCTAAGAAGAGACATGTTCACATGTTATCCTCATT-3'
Protein context (NP_000083.3, residues 1235-1255): PGSSGPPGPA[Gly1245Ser]ATGRAPKDIP

ClinVar aggregate classification (germline): Uncertain significance. Review status: criteria provided, multiple submitters, no conflicts (2 of 4 stars). 2 submissions from 2 submitters: Uncertain significance (2). Last evaluated 2025-09-08.

Conditions:
Inborn genetic diseases. Identifiers: MedGen C0950123, MeSH D030342.

Submissions (2):

Women's Health and Genetics/Laboratory Corporation of America, LabCorp
Classification: Uncertain significance. Last evaluated: 2025-09-08. Review status: criteria provided, single submitter. Criteria: LabCorp Variant Classification Summary - May 2015. Collection method: clinical testing. Allele origin: germline.
Comment: Variant summary: COL4A4 c.3733G>A (p.Gly1245Ser) results in a non-conservative amino acid change in the encoded protein sequence. Algorithms developed to predict the effect of missense changes on protein structure and function all suggest that this variant is likely to be disruptive. The variant was absent in 249480 control chromosomes. The available data on variant occurrences in the general population are insufficient to allow any conclusion about variant significance. To our knowledge, no occurrence of c.3733G>A in individuals affected with COL4A4-related conditions and no experimental evidence demonstrating its impact on protein function have been reported. ClinVar contains an entry for this variant (Variation ID: 3835273). Based on the evidence outlined above, the variant was classified as uncertain significance.

Ambry Genetics
Classification: Uncertain significance for Inborn genetic diseases. Last evaluated: 2025-01-10. Review status: criteria provided, single submitter. Criteria: Ambry Variant Classification Scheme 2023. Collection method: clinical testing. Allele origin: germline.